The following is an entry in ClinVar:

NM_012233.3(RAB3GAP1):c.1009C>T (p.Arg337Ter)

Gene: RAB3GAP1 (RAB3 GTPase activating protein catalytic subunit 1; plus strand). Cytogenetic location: 2q21.3.
Variant type: single nucleotide variant.
Coding change: c.1009C>T on transcript NM_012233.3 (MANE Select); coding-DNA position 1009, C replaced by T.
Protein change: p.Arg337Ter; replaces arginine 337 with a stop codon.
Molecular consequence: nonsense.
Genome position (GRCh38, 1-based): chr2:135,130,030, C>T. VCF-style: chr2-135130030-C-T. GRCh37 (hg19) VCF-style: chr2-135887600-C-T.
Other names: c.1009C>T, p.Arg337Ter (NM_001172435.2); short protein forms R337*.
Identifiers: ClinVar variation 191126 (VCV000191126.10), dbSNP rs766629205, ClinGen allele CA236072.
Genomic context (GRCh38, chr2:135,130,030, plus strand): 5'-AAAAATAACTTTTTTTCCTACATAGGTGATTTTGTCACTGAATTTTTTAAAATTTGCCGT[C>T]GAAAGGAGTCAACTGATGAGATTCTTGGACGATCTGCATTTGAGGAAGAAGGCAAAGGTA-3'

ClinVar aggregate classification (germline): Pathogenic/Likely pathogenic. Review status: criteria provided, multiple submitters, no conflicts (2 of 4 stars). 5 submissions from 4 submitters: Pathogenic (2); Likely pathogenic (1). 2 of the submissions do not count toward it. Last evaluated 2025-04-07.

Conditions:
Autosomal recessive RAB3GAP1-related disorders.
Warburg micro syndrome 1 (WARBM1). Identifiers: Orphanet 2510, MedGen C1838625, MONDO:0010822, OMIM 600118.

Allele frequency attached by ClinVar (database versions not stated): ExAC 0.00001; gnomAD 0.00001; gnomAD exomes 0.00001.
gnomAD v4.1: 16 of 1,611,212 alleles (0.00099%); highest among the groups gnomAD compares: African/African-American, 0.004%; no homozygotes.

Submissions (5):

Variantyx, Inc.
Classification: Likely pathogenic for Autosomal recessive RAB3GAP1-related disorders. Last evaluated: 2025-04-07. Review status: criteria provided, single submitter. Criteria: Variantyx Assertion Criteria 2022. Collection method: clinical testing. Allele origin: germline. Inheritance: Autosomal recessive inheritance.
Comment: This is a nonsense variant in the RAB3GAP1 gene (OMIM: 602536). Pathogenic variants in this gene have been associated with autosomal recessive Warburg micro syndrome 1. This variant introduces a premature termination codon in exon 12 out of 24 and it is expected to result in loss of function, which is a known disease mechanism for RAB3GAP1 in this disorder (PMID: 23420520) (PVS1). This variant has been reported in the homozygous or compound heterozygous state in at least one affected individual (PMID: 30202406, 26421802) (PM3_Supporting). This variant has a 0.0040% maximum allele frequency in non-founder control populations (PM2_Supporting). Based on the current evidence, this variant is classified as pathogenic for autosomal recessive Warburg micro syndrome 1.

Genomic Medicine Center of Excellence, King Faisal Specialist Hospital and Research Centre
Classification: Pathogenic for Warburg micro syndrome 1. Last evaluated: 2024-03-17. Review status: criteria provided, single submitter. Criteria: ACMG Guidelines, 2015. Collection method: research. Allele origin: germline.

Labcorp Genetics (formerly Invitae), Labcorp
Classification: Pathogenic. Last evaluated: 2022-09-29. Review status: criteria provided, single submitter. Criteria: Invitae Variant Classification Sherloc (09022015). Collection method: clinical testing. Allele origin: germline.
Comment: For these reasons, this variant has been classified as Pathogenic. ClinVar contains an entry for this variant (Variation ID: 191126). This premature translational stop signal has been observed in individual(s) with Warburg micro syndrome (PMID: 26421802, 30202406). This variant is present in population databases (rs766629205, gnomAD 0.007%). This sequence change creates a premature translational stop signal (p.Arg337*) in the RAB3GAP1 gene. It is expected to result in an absent or disrupted protein product. Loss-of-function variants in RAB3GAP1 are known to be pathogenic (PMID: 23420520).

Biochemical Molecular Genetic Laboratory, King Abdulaziz Medical City
Classification: Pathogenic for Warburg micro syndrome 1. Last evaluated: 2019-09-26. Review status: no assertion criteria provided. Collection method: clinical testing. Allele origin: germline. Affected: yes. Not counted in ClinVar's aggregate classification.

Genomic Medicine Center of Excellence, King Faisal Specialist Hospital and Research Centre
Classification: Likely pathogenic. Review status: flagged submission. Criteria: ACMG Guidelines, 2015. Collection method: research. Allele origin: germline. Affected: yes. Not counted in ClinVar's aggregate classification.
ClinVar note: Reason: This record appears to be redundant with a more recent record from the same submitter.
ClinVar note: Notes: SCV000221503 appears to be redundant with SCV004805024.

Literature cited by the submitters: PubMed 23420520 (cited by Variantyx, Inc. and Labcorp Genetics (formerly Invitae), Labcorp); PubMed 30202406 (cited by Variantyx, Inc. and Labcorp Genetics (formerly Invitae), Labcorp); PubMed 26421802 (cited by Variantyx, Inc. and Labcorp Genetics (formerly Invitae), Labcorp).